The following is an entry in ClinVar:

NM_182914.3(SYNE2):c.10386G>A (p.Met3462Ile)

Gene: SYNE2 (spectrin repeat containing nuclear envelope protein 2; plus strand). Cytogenetic location: 14q23.2.
Variant type: single nucleotide variant.
Coding change: c.10386G>A on transcript NM_182914.3 (MANE Select); coding-DNA position 10386, G replaced by A.
Protein change: p.Met3462Ile; replaces methionine 3462 with isoleucine.
Molecular consequence: missense variant.
Genome position (GRCh38, 1-based): chr14:64,065,605, G>A. VCF-style: chr14-64065605-G-A. GRCh37 (hg19) VCF-style: chr14-64532323-G-A.
Other names: c.10386G>A, p.Met3462Ile (NM_015180.6); short protein forms M3462I.
Identifiers: ClinVar variation 470910 (VCV000470910.8), dbSNP rs780632525, ClinGen allele CA7221491.

ClinVar aggregate classification (germline): Uncertain significance (1 of 4 stars; one submission).

Conditions:
Emery-Dreifuss muscular dystrophy 5, autosomal dominant (EDMD5). Also called: EMERY-DREIFUSS MUSCULAR DYSTROPHY 5. Identifiers: Orphanet 261, MedGen C2751805, MONDO:0013072, OMIM 612999.

Allele frequency attached by ClinVar (database versions not stated): gnomAD exomes below 0.00001 and 0.00001; ExAC 0.00001.
gnomAD v4.1: 5 of 1,614,178 alleles (0.00031%); highest among the groups gnomAD compares: Admixed American, 0.0033%; no homozygotes.

Submission:

Labcorp Genetics (formerly Invitae), Labcorp
Classification: Uncertain significance for Emery-Dreifuss muscular dystrophy 5, autosomal dominant. Last evaluated: 2025-04-28. Review status: criteria provided, single submitter. Criteria: Invitae Variant Classification Sherloc (09022015). Collection method: clinical testing. Allele origin: germline.
Comment: This sequence change replaces methionine, which is neutral and non-polar, with isoleucine, which is neutral and non-polar, at codon 3462 of the SYNE2 protein (p.Met3462Ile). This variant is present in population databases (rs780632525, gnomAD 0.006%). This variant has not been reported in the literature in individuals affected with SYNE2-related conditions. ClinVar contains an entry for this variant (Variation ID: 470910). An algorithm developed to predict the effect of missense changes on protein structure and function outputs the following: PolyPhen-2: "Benign". The isoleucine amino acid residue is found in multiple mammalian species, which suggests that this missense change does not adversely affect protein function. In summary, the available evidence is currently insufficient to determine the role of this variant in disease. Therefore, it has been classified as a Variant of Uncertain Significance.